The following is an entry in ClinVar:

ClinVar aggregate classification (germline): Uncertain significance (1 of 4 stars; one submission).

Submission:

GeneDx
Classification: Uncertain significance. Last evaluated: 2019-07-01. Review status: criteria provided, single submitter. Criteria: GeneDx Variant Classification Process June 2021. Collection method: clinical testing. Allele origin: germline. Affected: yes.
Comment: Not observed in large population cohorts (Lek et al., 2016); In-frame deletion of 1 amino acids in a non-repeat region; In silico analysis, which includes protein predictors and evolutionary conservation, supports a deleterious effect; Has not been previously published as pathogenic or benign to our knowledge

NM_015046.7(SETX):c.4897_4899del (p.Ser1633del)

Gene: SETX (senataxin; minus strand). Cytogenetic location: 9q34.13.
Variant type: Deletion.
Coding change: c.4897_4899del on transcript NM_015046.7 (MANE Select); coding-DNA positions 4897 to 4899, 3 bases deleted (TCG; older notation c.4897_4899delTCG).
Protein change: p.Ser1633del; deletes serine 1633.
Molecular consequence: inframe deletion.
Genome position (GRCh38, 1-based): chr9:132,326,699-132,326,701, CGA deleted on the plus strand (TCG on the coding strand, the reverse complement: SETX is on the minus strand); deleting any 3 consecutive bases within chr9:132,326,699-132,326,702 gives the same sequence; the c. name uses the placement nearest the transcript's 3' end. VCF-style (leftmost placement, unchanged base first): chr9-132326698-TCGA-T. GRCh37 (hg19) VCF-style: chr9-135202085-TCGA-T.
Other names: c.4897_4899del, p.Ser1633del (NM_001351527.2, NM_001351528.2); short protein forms S1633del.
Identifiers: ClinVar variation 1306463 (VCV001306463.2), dbSNP rs2131428433, ClinGen allele CA2573053122.